The following is an entry in ClinVar:

ClinVar aggregate classification (germline): Uncertain significance. Review status: criteria provided, multiple submitters, no conflicts (2 of 4 stars). 2 submissions from 2 submitters: Uncertain significance (2). Last evaluated 2025-10-29.

Conditions:
Cardiovascular phenotype. Identifiers: MedGen CN230736.
Long QT syndrome 6 (LQT6). Identifiers: Orphanet 101016, Orphanet 768, MedGen C3150953, MONDO:0013370, OMIM 613693.

gnomAD v4.1: 4 of 1,614,192 alleles (0.00025%); highest among the groups gnomAD compares: African/African-American, 0.0013%; no homozygotes.

Submissions (2):

Labcorp Genetics (formerly Invitae), Labcorp
Classification: Uncertain significance for Long QT syndrome 6. Last evaluated: 2025-10-29. Review status: criteria provided, single submitter. Criteria: Invitae Variant Classification Sherloc (09022015). Collection method: clinical testing. Allele origin: germline.
Comment: This sequence change replaces isoleucine, which is neutral and non-polar, with methionine, which is neutral and non-polar, at codon 67 of the KCNE2 protein (p.Ile67Met). This variant is not present in population databases (gnomAD no frequency). This variant has not been reported in the literature in individuals affected with KCNE2-related conditions. ClinVar contains an entry for this variant (Variation ID: 2447577). An algorithm developed to predict the effect of missense changes on protein structure and function (PolyPhen-2) suggests that this variant is likely to be disruptive. In summary, the available evidence is currently insufficient to determine the role of this variant in disease. Therefore, it has been classified as a Variant of Uncertain Significance.

Ambry Genetics
Classification: Uncertain significance for Cardiovascular phenotype. Last evaluated: 2022-12-06. Review status: criteria provided, single submitter. Criteria: Ambry Variant Classification Scheme 2023. Collection method: clinical testing. Allele origin: germline.
Comment: The p.I67M variant (also known as c.201C>G), located in coding exon 1 of the KCNE2 gene, results from a C to G substitution at nucleotide position 201. The isoleucine at codon 67 is replaced by methionine, an amino acid with highly similar properties. This amino acid position is conserved. In addition, the in silico prediction for this alteration is inconclusive. Since supporting evidence is limited at this time, the clinical significance of this alteration remains unclear.

NM_172201.2(KCNE2):c.201C>G (p.Ile67Met)

Genes: KCNE2 (potassium voltage-gated channel subfamily E regulatory subunit 2; plus strand), LOC105372791 (uncharacterized LOC105372791; minus strand). Cytogenetic location: 21q22.11.
Variant type: single nucleotide variant.
Coding change: c.201C>G on transcript NM_172201.2 (MANE Select); coding-DNA position 201, C replaced by G.
Protein change: p.Ile67Met; replaces isoleucine 67 with methionine.
Molecular consequence: missense variant.
Genome position (GRCh38, 1-based): chr21:34,370,679, C>G. VCF-style: chr21-34370679-C-G. GRCh37 (hg19) VCF-style: chr21-35742978-C-G.
Other names: short protein forms I67M.
Identifiers: ClinVar variation 2447577 (VCV002447577.3), dbSNP rs2516741027, ClinGen allele CA410196646.